The following is an entry in ClinVar:

ClinVar aggregate classification (germline): Uncertain significance. Review status: criteria provided, multiple submitters, no conflicts (2 of 4 stars). 4 submissions from 4 submitters: Uncertain significance (3). 1 of the submissions does not count toward it. Last evaluated 2026-01-24.

Conditions:
FBLN5-related disorder. Also called: FBLN5-related condition.

Allele frequency attached by ClinVar (database versions not stated): gnomAD exomes 0.00002 and 0.00005; gnomAD 0.00004; TOPMed 0.00004.
gnomAD v4.1: 82 of 1,613,846 alleles (0.0051%); highest among the groups gnomAD compares: Non-Finnish European, 0.0063%; no homozygotes.

Submissions (4):

Labcorp Genetics (formerly Invitae), Labcorp
Classification: Uncertain significance. Last evaluated: 2026-01-24. Review status: criteria provided, single submitter. Criteria: Invitae Variant Classification Sherloc (09022015). Collection method: clinical testing. Allele origin: germline.
Comment: This sequence change replaces valine, which is neutral and non-polar, with isoleucine, which is neutral and non-polar, at codon 243 of the FBLN5 protein (p.Val243Ile). This variant is present in population databases (no rsID available, gnomAD 0.008%). This variant has not been reported in the literature in individuals affected with FBLN5-related conditions. ClinVar contains an entry for this variant (Variation ID: 1194801). Invitae Evidence Modeling of protein sequence and biophysical properties (such as structural, functional, and spatial information, amino acid conservation, physicochemical variation, residue mobility, and thermodynamic stability) indicates that this missense variant is not expected to disrupt FBLN5 protein function with a negative predictive value of 80%. In summary, the available evidence is currently insufficient to determine the role of this variant in disease. Therefore, it has been classified as a Variant of Uncertain Significance.

Mayo Clinic Laboratories, Mayo Clinic
Classification: Uncertain significance. Last evaluated: 2025-10-03. Review status: criteria provided, single submitter. Criteria: ACMG Guidelines, 2015. Collection method: clinical testing. Allele origin: germline. Observed: 1 variant allele.
Comment: BP4_moderate

GeneDx
Classification: Uncertain significance. Last evaluated: 2021-06-21. Review status: criteria provided, single submitter. Criteria: GeneDx Variant Classification Process June 2021. Collection method: clinical testing. Allele origin: germline. Affected: yes.
Comment: Has not been previously published as pathogenic or benign to our knowledge; In silico analysis supports that this missense variant does not alter protein structure/function; This variant is associated with the following publications: (PMID: 27535533)

PreventionGenetics, part of Exact Sciences
Classification: Uncertain significance for FBLN5-related condition. Last evaluated: 2024-08-08. Review status: no assertion criteria provided. Collection method: clinical testing. Allele origin: germline. Not counted in ClinVar's aggregate classification.
Comment: The FBLN5 c.727G>A variant is predicted to result in the amino acid substitution p.Val243Ile. To our knowledge, this variant has not been reported in the literature. This variant is reported in 0.0080% of alleles in individuals of African descent in gnomAD. At this time, the clinical significance of this variant is uncertain due to the absence of conclusive functional and genetic evidence.

NM_006329.4(FBLN5):c.727G>A (p.Val243Ile)

Gene: FBLN5 (fibulin 5; minus strand). Cytogenetic location: 14q32.12.
Variant type: single nucleotide variant.
Coding change: c.727G>A on transcript NM_006329.4 (MANE Select); coding-DNA position 727, G replaced by A.
Protein change: p.Val243Ile; replaces valine 243 with isoleucine.
Molecular consequence: missense variant.
Genome position (GRCh38, 1-based): chr14:91,887,205, C>T on the plus strand (G>A on the coding strand, the complement: FBLN5 is on the minus strand). VCF-style: chr14-91887205-C-T. GRCh37 (hg19) VCF-style: chr14-92353549-C-T.
Other names: p.Val243Ile; c.850G>A, p.Val284Ile (NM_001384158.1); c.778G>A, p.Val260Ile (NM_001384159.1); c.727G>A, p.Val243Ile (NM_001384160.1); c.559G>A, p.Val187Ile (NM_001384161.1, NM_001384162.1); short protein forms V187I, V243I, V260I, V284I.
Identifiers: ClinVar variation 1194801 (VCV001194801.12), dbSNP rs976720995, ClinGen allele CA265597308.